The following is an entry in ClinVar:

ClinVar aggregate classification (germline): Uncertain significance (1 of 4 stars; one submission).

Conditions:
PLXNA4-related disorder. Also called: PLXNA4-related condition.

Allele frequency attached by ClinVar (database versions not stated): gnomAD 0.00002; 1000 Genomes Project 30x 0.00016; ExAC 0.00017.
gnomAD v4.1: 51 of 1,613,982 alleles (0.0032%); highest among the groups gnomAD compares: Admixed American, 0.075%; no homozygotes.

Submission:

PreventionGenetics, part of Exact Sciences
Classification: Uncertain significance for PLXNA4-related condition. Last evaluated: 2026-07-20. Review status: criteria provided, single submitter. Criteria: ACMG Guidelines, 2015. Collection method: clinical testing. Allele origin: germline.
Comment: The PLXNA4 c.3785G>A variant is predicted to result in the amino acid substitution p.Arg1262His. To our knowledge, this variant has not been reported in the literature. This variant is reported in 0.12% of alleles in individuals of Latino descent in gnomAD, which is likely too common for an undocumented disease-causing variant. Although we suspect that this variant may be benign, at this time, the clinical significance of this variant is uncertain due to the absence of conclusive functional and genetic evidence.

NM_020911.2(PLXNA4):c.3785G>A (p.Arg1262His)

Gene: PLXNA4 (plexin A4; minus strand). Cytogenetic location: 7q32.3.
Variant type: single nucleotide variant.
Coding change: c.3785G>A on transcript NM_020911.2 (MANE Select); coding-DNA position 3785, G replaced by A.
Protein change: p.Arg1262His; replaces arginine 1262 with histidine.
Molecular consequence: missense variant.
Genome position (GRCh38, 1-based): chr7:132,179,776, C>T on the plus strand (G>A on the coding strand, the complement: PLXNA4 is on the minus strand). VCF-style: chr7-132179776-C-T. GRCh37 (hg19) VCF-style: chr7-131864535-C-T.
Other names: c.3785G>A, p.Arg1262His (NM_001393897.1); short protein forms R1262H.
Identifiers: ClinVar variation 2634424 (VCV002634424.4), dbSNP rs763668879, ClinGen allele CA4489377.